The following is an entry in ClinVar:

NM_032409.3(PINK1):c.65C>T (p.Thr22Met)

Gene: PINK1 (PTEN induced kinase 1; plus strand). Cytogenetic location: 1p36.12.
Variant type: single nucleotide variant.
Coding change: c.65C>T on transcript NM_032409.3 (MANE Select); coding-DNA position 65, C replaced by T.
Protein change: p.Thr22Met; replaces threonine 22 with methionine.
Molecular consequence: missense variant.
Genome position (GRCh38, 1-based): chr1:20,633,613, C>T. VCF-style: chr1-20633613-C-T. GRCh37 (hg19) VCF-style: chr1-20960106-C-T.
Other names: short protein forms T22M.
Identifiers: ClinVar variation 2043218 (VCV002043218.4), dbSNP rs2545244807, ClinGen allele CA338853443.
Genomic context (GRCh38, chr1:20,633,613, plus strand): 5'-CGGTGCGACAGGCGCTGGGCCGCGGCCTGCAGCTGGGTCGAGCGCTGCTGCTGCGCTTCA[C>T]GGGCAAGCCCGGCCGGGCCTACGGCTTGGGGCGGCCGGGCCCGGCGGCGGGCTGTGTCCG-3'
Protein context (NP_115785.1, residues 12-32): QLGRALLLRF[Thr22Met]GKPGRAYGLG

ClinVar aggregate classification (germline): Uncertain significance (1 of 4 stars; one submission).

Conditions:
Autosomal recessive early-onset Parkinson disease 6 (PARK6). Also called: PARKINSON DISEASE 6, EARLY-ONSET; PINK1 Type of Young-Onset Parkinson Disease; PARKINSON DISEASE 6, MODIFIER OF; PINK1-Related Parkinson Disease. Identifiers: Orphanet 2828, MedGen C1853833, MONDO:0011613, OMIM 605909.

Allele frequency attached by ClinVar (database versions not stated): gnomAD exomes below 0.00001.
gnomAD v4.1: 1 of 1,283,746 alleles (0.000078%); highest among the groups gnomAD compares: Non-Finnish European, 0.000098%; no homozygotes.

Submission:

Labcorp Genetics (formerly Invitae), Labcorp
Classification: Uncertain significance for Autosomal recessive early-onset Parkinson disease 6. Last evaluated: 2022-01-17. Review status: criteria provided, single submitter. Criteria: Invitae Variant Classification Sherloc (09022015). Collection method: clinical testing. Allele origin: germline.
Comment: This sequence change replaces threonine, which is neutral and polar, with methionine, which is neutral and non-polar, at codon 22 of the PINK1 protein (p.Thr22Met). This variant is not present in population databases (gnomAD no frequency). This variant has not been reported in the literature in individuals affected with PINK1-related conditions. Algorithms developed to predict the effect of missense changes on protein structure and function are either unavailable or do not agree on the potential impact of this missense change (SIFT: "Tolerated"; PolyPhen-2: "Possibly Damaging"; Align-GVGD: "Class C0"). In summary, the available evidence is currently insufficient to determine the role of this variant in disease. Therefore, it has been classified as a Variant of Uncertain Significance.